The following is an entry in ClinVar:

ClinVar aggregate classification (germline): Uncertain significance. Review status: criteria provided, multiple submitters, no conflicts (2 of 4 stars). 6 submissions from 6 submitters: Uncertain significance (4). 2 of the submissions do not count toward it. Last evaluated 2025-02-05.

Conditions:
Duchenne muscular dystrophy (DMD). Also called: MUSCULAR DYSTROPHY, PSEUDOHYPERTROPHIC PROGRESSIVE, DUCHENNE TYPE; Duchenne Muscular Dystrophy (DMD). Identifiers: Orphanet 98896, MedGen C0013264, MONDO:0010679, OMIM 310200.
Cardiovascular phenotype. Identifiers: MedGen CN230736.

Allele frequency attached by ClinVar (database versions not stated): TOPMed below 0.00001; gnomAD 0.00001; gnomAD exomes 0.00002.
gnomAD v4.1: 11 of 1,208,541 alleles (0.00091%); highest among the groups gnomAD compares: Non-Finnish European, 0.0012%; no homozygotes.

Submissions (6):

Ambry Genetics
Classification: Uncertain significance for Cardiovascular phenotype. Last evaluated: 2025-02-05. Review status: criteria provided, single submitter. Criteria: Ambry Variant Classification Scheme 2023. Collection method: clinical testing. Allele origin: germline.
Comment: The p.R1745C variant (also known as c.5233C>T), located in coding exon 37 of the DMD gene, results from a C to T substitution at nucleotide position 5233. The arginine at codon 1745 is replaced by cysteine, an amino acid with highly dissimilar properties. This amino acid position is highly conserved in available vertebrate species. In addition, the in silico prediction for this alteration is inconclusive. Based on the available evidence, the clinical significance of this variant remains unclear.

Blueprint Genetics
Classification: Uncertain significance. Last evaluated: 2024-08-06. Review status: criteria provided, single submitter. Criteria: ACMG Guidelines, 2015. Collection method: clinical testing. Allele origin: germline.

Labcorp Genetics (formerly Invitae), Labcorp
Classification: Uncertain significance for Duchenne muscular dystrophy. Last evaluated: 2022-10-26. Review status: criteria provided, single submitter. Criteria: Invitae Variant Classification Sherloc (09022015). Collection method: clinical testing. Allele origin: germline.
Comment: This sequence change replaces arginine, which is basic and polar, with cysteine, which is neutral and slightly polar, at codon 1745 of the DMD protein (p.Arg1745Cys). This variant is not present in population databases (gnomAD no frequency). This variant has not been reported in the literature in individuals affected with DMD-related conditions. ClinVar contains an entry for this variant (Variation ID: 1206186). Advanced modeling of protein sequence and biophysical properties (such as structural, functional, and spatial information, amino acid conservation, physicochemical variation, residue mobility, and thermodynamic stability) performed at Invitae indicates that this missense variant is not expected to disrupt DMD protein function. In summary, the available evidence is currently insufficient to determine the role of this variant in disease. Therefore, it has been classified as a Variant of Uncertain Significance.

GeneDx
Classification: Uncertain significance. Last evaluated: 2019-10-29. Review status: criteria provided, single submitter. Criteria: GeneDx Variant Classification Process June 2021. Collection method: clinical testing. Allele origin: germline. Affected: yes.
Comment: Has not been previously published as pathogenic or benign to our knowledge; Not observed in large population cohorts (Lek et al., 2016); In silico analysis, which includes protein predictors and evolutionary conservation, supports a deleterious effect

Diagnostic Laboratory, Department of Genetics, University Medical Center Groningen
Classification: Uncertain significance. Review status: no assertion criteria provided. Collection method: clinical testing. Allele origin: germline. Affected: yes. Study: VKGL Data-share Consensus. Not counted in ClinVar's aggregate classification.

Laboratory of Diagnostic Genome Analysis, Leiden University Medical Center (LUMC)
Classification: Uncertain significance. Review status: no assertion criteria provided. Collection method: clinical testing. Allele origin: germline. Affected: yes. Study: VKGL Data-share Consensus. Not counted in ClinVar's aggregate classification.

NM_004006.3(DMD):c.5233C>T (p.Arg1745Cys)

Gene: DMD (dystrophin; minus strand). Cytogenetic location: Xp21.1.
Variant type: single nucleotide variant.
Coding change: c.5233C>T on transcript NM_004006.3 (MANE Select); coding-DNA position 5233, C replaced by T.
Protein change: p.Arg1745Cys; replaces arginine 1745 with cysteine.
Molecular consequence: missense variant.
Genome position (GRCh38, 1-based): chrX:32,362,880, G>A on the plus strand (C>T on the coding strand, the complement: DMD is on the minus strand). VCF-style: chrX-32362880-G-A. GRCh37 (hg19) VCF-style: chrX-32380997-G-A.
Other names: c.5209C>T, p.Arg1737Cys (NM_000109.4); c.5221C>T, p.Arg1741Cys (NM_004009.3); c.4864C>T, p.Arg1622Cys (NM_004010.3); c.1210C>T, p.Arg404Cys (NM_004011.4); c.1201C>T, p.Arg401Cys (NM_004012.4); short protein forms R1622C, R1737C, R1741C, R1745C, R401C, R404C.
Identifiers: ClinVar variation 1206186 (VCV001206186.8), dbSNP rs1326450715, ClinGen allele CA412671228.
Genomic context (GRCh38, chrX:32,362,880, plus strand): 5'-CAAATCGATGGTTGAGCTCTGAGATTTGGGGCTCTACTAATTTCCTGCAGTGGTCACCGC[G>A]GTTTGCCATCAAGTTTGCTGCTTGGTCACGTGTAGAGTCCACCTTTGGGCGTATGTCATT-3'
Protein context (NP_003997.2, residues 1735-1755): RDQAANLMAN[Arg1745Cys]GDHCRKLVEP